The following is an entry in ClinVar:

NM_002693.3(POLG):c.1950-43A>G

Gene: POLG (DNA polymerase gamma, catalytic subunit; minus strand). Cytogenetic location: 15q26.1.
Variant type: single nucleotide variant.
Coding change: c.1950-43A>G on transcript NM_002693.3 (MANE Select); 43 bases into the intron before coding-DNA position 1950, A replaced by G.
Molecular consequence: intron variant.
Genome position (GRCh38, 1-based): chr15:89,324,270, T>C on the plus strand (A>G on the coding strand, the complement: POLG is on the minus strand). VCF-style: chr15-89324270-T-C. GRCh37 (hg19) VCF-style: chr15-89867501-T-C.
Other names: c.1950-43A>G (NM_001126131.2).
Identifiers: ClinVar variation 619362 (VCV000619362.1), dbSNP rs74596434, ClinGen allele CA7724646.
Genomic context (GRCh38, chr15:89,324,270, plus strand): 5'-TACAGGGACTCGATGGCTCTGGGCAGAGAACAGTAGCAGCAGCAGCCGCTGATTACCAGA[T>C]GCCCACTCTGGGCCAGGCAGCTTGCTAGTGCCTTCCACAATTCCCTTTGTTTAGTCCTCA-3'

ClinVar aggregate classification (germline): Benign (1 of 4 stars; one submission).

Conditions:
Progressive sclerosing poliodystrophy (MTDPS4A). Also called: Alpers-Huttenlocher Syndrome (AHS); Alpers Syndrome; ALPERS PROGRESSIVE INFANTILE POLIODYSTROPHY; Mitochondrial DNA depletion syndrome 4A (Alpers type); ALPERS DIFFUSE DEGENERATION OF CEREBRAL GRAY MATTER WITH HEPATIC CIRRHOSIS; Alpers-Huttenlocher Syndrome. Identifiers: Orphanet 726, MedGen C0205710, MONDO:0008758, OMIM 203700.

Allele frequency attached by ClinVar (database versions not stated): 1000 Genomes Project 30x 0.00094; 1000 Genomes Project 0.00100; ExAC 0.00160; gnomAD exomes 0.00163; TOPMed 0.00165; gnomAD 0.00178 and 0.00180; ESP Exome Variant Server 0.00185.
gnomAD v4.1: 2,983 of 1,605,582 alleles (0.19%); highest among the groups gnomAD compares: Non-Finnish European, 0.21%; 4 homozygotes.

Submission:

Wong Mito Lab, Molecular and Human Genetics, Baylor College of Medicine
Classification: Benign for Progressive sclerosing poliodystrophy. Last evaluated: 2018-10-01. Review status: criteria provided, single submitter. Criteria: ACMG Guidelines, 2015. Collection method: clinical testing. Allele origin: germline.
Comment: The NM_002693.2:c.1950-43A>G (NP_002684.1:p.=) [GRCH38: NC_000015.10:g.89324270T>C] variant in POLG gene is interpretated to be a Benign based on ACMG guidelines (PMID: 25741868). This variant meets the following evidence codes reported in the ACMG-guideline. BS1:The minor allele frequency of this allele is high for Mitochondrial DNA depletion syndrome 4A (Alpers type). BS2:Observation of the variant in controls is inconsistent with penetrance of Mitochondrial DNA depletion syndrome 4A (Alpers type). BP4:Computational evidence/predictors indicate no impact on the POLG structure, function, or protein-protein interaction. BP6:Reputable source(s) without shared data suggest the variant is benign. Based on the evidence criteria codes applied, the variant is suggested to be Benign.